The following is an entry in ClinVar:

NM_000053.4(ATP7B):c.1658C>T (p.Ala553Val)

Gene: ATP7B (ATPase copper transporting beta; minus strand). Cytogenetic location: 13q14.3.
Variant type: single nucleotide variant.
Coding change: c.1658C>T on transcript NM_000053.4 (MANE Select); coding-DNA position 1658, C replaced by T.
Protein change: p.Ala553Val; replaces alanine 553 with valine.
Molecular consequence: missense variant. On other transcripts: intron variant (1).
Genome position (GRCh38, 1-based): chr13:51,968,493, G>A on the plus strand (C>T on the coding strand, the complement: ATP7B is on the minus strand). VCF-style: chr13-51968493-G-A. GRCh37 (hg19) VCF-style: chr13-52542629-G-A.
Other names: c.1658C>T, p.Ala553Val (NM_001406522.1, NM_001406523.1, NM_001406525.1 and 26 more transcripts); c.1625C>T, p.Ala542Val (NM_001406524.1, NM_001406514.1); c.1562C>T, p.Ala521Val (NM_001406530.1, NM_001406517.1, NM_001406518.1 and 3 more transcripts); c.1325C>T, p.Ala442Val (NM_001243182.2); c.1229C>T, p.Ala410Val (NM_001406539.1); c.1285+5442C>T (NM_001406548.1); short protein forms A410V, A442V, A521V, A542V, A553V.
Identifiers: ClinVar variation 4757260 (VCV004757260.1).

ClinVar aggregate classification (germline): Uncertain significance (1 of 4 stars; one submission).

Conditions:
Wilson disease (WND). Also called: Wilson's disease. Identifiers: Orphanet 905, MedGen C0019202, MONDO:0010200, OMIM 277900. Disease mechanism: loss of function.

gnomAD v4.1: 1 of 1,614,158 alleles (0.000062%); highest among the groups gnomAD compares: Non-Finnish European, 0.000085%; no homozygotes.

Submission:

Color Diagnostics, LLC DBA Color Health
Classification: Uncertain significance for Wilson disease. Last evaluated: 2025-06-23. Review status: criteria provided, single submitter. Criteria: ACMG Guidelines, 2015. Collection method: clinical testing. Allele origin: germline.
Comment: This missense variant replaces alanine with valine at codon 553 of the ATP7B protein. Computational prediction is inconclusive regarding the impact of this variant on protein structure and function. To our knowledge, functional studies have not been reported for this variant. This variant has not been reported in individuals affected with ATP7B-related disorders in the literature. This variant has not been identified in the general population by the Genome Aggregation Database (gnomAD). The available evidence is insufficient to determine the role of this variant in disease conclusively. Therefore, this variant is classified as a Variant of Uncertain Significance.